The following is an entry in ClinVar:

ClinVar aggregate classification (germline): Pathogenic (1 of 4 stars; one submission).

Submission:

ARUP Laboratories, Molecular Genetics and Genomics, ARUP Laboratories
Classification: Pathogenic. Last evaluated: 2019-08-14. Review status: criteria provided, single submitter. Criteria: ARUP Molecular Germline Variant Investigation Process. Collection method: clinical testing. Allele origin: germline.
Comment: The HBA1 c.300+1G>T variant is reported in the literature in the heterozygous state in at least one individual affected with mild hemolytic anemia (Farashi 2016). This variant is absent from general population databases (Exome Variant Server, Genome Aggregation Database), indicating it is not a common polymorphism. This variant disrupts the canonical splice donor site of intron 2, which is likely to negatively impact gene function. Based on available information, this variant is considered to be pathogenic. References: Farashi S et al. Identification of Mutations Causing Aberrant Termination and Deficient Splice Donor Site on the HBA1 Gene. Hemoglobin. 2016;40(1):38-43.

NM_000558.5(HBA1):c.300+1G>T

Genes: HBA1 (hemoglobin subunit alpha 1; plus strand), LOC106804613 (hemoglobin subunit alpha 1 recombination region; plus strand). Cytogenetic location: 16p13.3.
Variant type: single nucleotide variant.
Coding change: c.300+1G>T on transcript NM_000558.5 (MANE Select); the canonical splice donor site of the intron after coding-DNA position 300, G replaced by T.
Molecular consequence: splice donor variant.
Genome position (GRCh38, 1-based): chr16:177,134, G>T. VCF-style: chr16-177134-G-T. GRCh37 (hg19) VCF-style: chr16-227133-G-T.
Identifiers: ClinVar variation 995656 (VCV000995656.8), dbSNP rs758093235, ClinGen allele CA393995697.
Genomic context (GRCh38, chr16:177,134, plus strand): 5'-CTGTCCGCCCTGAGCGACCTGCACGCGCACAAGCTTCGGGTGGACCCGGTCAACTTCAAG[G>T]TGAGCGGCGGGCCGGGAGCGATCTGGGTCGAGGGGCGAGATGGCGCCTTCCTCGCAGGGC-3'